The following is an entry in ClinVar:

NM_024809.5(TCTN2):c.1670G>A (p.Cys557Tyr)

Gene: TCTN2 (tectonic family member 2; plus strand). Cytogenetic location: 12q24.31.
Variant type: single nucleotide variant.
Coding change: c.1670G>A on transcript NM_024809.5 (MANE Select); coding-DNA position 1670, G replaced by A.
Protein change: p.Cys557Tyr; replaces cysteine 557 with tyrosine.
Molecular consequence: missense variant.
Genome position (GRCh38, 1-based): chr12:123,704,589, G>A. VCF-style: chr12-123704589-G-A. GRCh37 (hg19) VCF-style: chr12-124189136-G-A.
Other names: c.1667G>A, p.Cys556Tyr (NM_001143850.3); c.1535G>A, p.Cys512Tyr (NM_001410989.1); short protein forms C512Y, C556Y, C557Y.
Identifiers: ClinVar variation 3325077 (VCV003325077.4).

ClinVar aggregate classification (germline): Uncertain significance. Review status: criteria provided, multiple submitters, no conflicts (2 of 4 stars). 3 submissions from 3 submitters: Uncertain significance (3). Last evaluated 2024-04-12.

Conditions:
Meckel syndrome, type 8. Identifiers: Orphanet 564, MedGen C3836857, MONDO:0013482, OMIM 613885.
Joubert syndrome 24 (JBTS24). Identifiers: Orphanet 475, MedGen C4084841, MONDO:0014724, OMIM 616654.
Inborn genetic diseases. Identifiers: MedGen C0950123, MeSH D030342.

gnomAD v4.1: 5 of 1,613,566 alleles (0.00031%); highest among the groups gnomAD compares: East Asian, 0.0067%; no homozygotes.

Submissions (3):

Fulgent Genetics
Classification: Uncertain significance for Meckel syndrome, type 8; Joubert syndrome 24. Last evaluated: 2024-04-12. Review status: criteria provided, single submitter. Criteria: ACMG Guidelines, 2015. Collection method: clinical testing. Allele origin: germline.

Ambry Genetics
Classification: Uncertain significance for Inborn genetic diseases. Last evaluated: 2024-03-25. Review status: criteria provided, single submitter. Criteria: Ambry Variant Classification Scheme 2023. Collection method: clinical testing. Allele origin: germline.

Juno Genomics, Hangzhou Juno Genomics, Inc
Classification: Uncertain significance for Meckel syndrome, type 8; Joubert syndrome 24. Review status: criteria provided, single submitter. Criteria: ACMG Guidelines, 2015. Collection method: clinical testing. Allele origin: germline.
Comment: Absent from controls (or at extremely low frequency if recessive) in Genome Aggregation Database.;Multiple lines of computational evidence support a deleterious effect on the gene or gene product.